The following is an entry in ClinVar:

ClinVar aggregate classification (germline): Uncertain significance (1 of 4 stars; one submission).

Conditions:
Mitochondrial DNA depletion syndrome 20 (mngie type). Also called: MITOCHONDRIAL NEUROGASTROINTESTINAL ENCEPHALOMYOPATHY SYNDROME, LIG3-RELATED. Identifiers: MedGen C5676934, MONDO:0030696, OMIM 619780.

gnomAD v4.1: 7 of 1,614,112 alleles (0.00043%); highest among the groups gnomAD compares: Admixed American, 0.0017%; no homozygotes.

Submission:

Department of Traditional Chinese Medicine, Fujian Provincial Hospital
Classification: Uncertain significance for Mitochondrial DNA depletion syndrome 20 (mngie type). Review status: criteria provided, single submitter. Criteria: ACMG Guidelines, 2015. Collection method: research. Allele origin: inherited.
Comment: Based on the ACMG/AMP guidelines for variant classification, the missense variant c.2011C>T (p.Arg671Trp) in the LIG3 gene is classified as a Variant of Uncertain Significance (VUS) . The evidence is as follows: 1. PM2_Supporting: This variant is rare in the gnomAD database, indicating a very low allele frequency in the general population. 2. PM3: This variant is located in trans with another likely pathogenic variant (c.1684dup), forming a compound heterozygous state, which is consistent with the recessive inheritance pattern of diseases associated with this gene. 3. PP3_Moderate: Multiple in silico prediction tools support a deleterious effect on the gene or gene product, with a REVEL score of 0.901.

NM_013975.4(LIG3):c.2011C>T (p.Arg671Trp)

Gene: LIG3 (DNA ligase 3; plus strand). Cytogenetic location: 17q12.
Variant type: single nucleotide variant.
Coding change: c.2011C>T on transcript NM_013975.4 (MANE Select); coding-DNA position 2011, C replaced by T.
Protein change: p.Arg671Trp; replaces arginine 671 with tryptophan.
Molecular consequence: missense variant.
Genome position (GRCh38, 1-based): chr17:34,998,625, C>T. VCF-style: chr17-34998625-C-T. GRCh37 (hg19) VCF-style: chr17-33325644-C-T.
Other names: c.2011C>T, p.Arg671Trp (NM_002311.5); short protein forms R671W.
Identifiers: ClinVar variation 4819569 (VCV004819569.1).
Genomic context (GRCh38, chr17:34,998,625, plus strand): 5'-GCCTTTCTATTCTGTGGTCTCTCTTTTGCTTCCCTTCAGGGTACATATGAGCCTGGGAAG[C>T]GGCACTGGCTGAAAGTGAAGAAAGACTATTTGAACGAGGGGGCCATGGCCGACACAGCTG-3'
Protein context (NP_039269.2, residues 661-681): DVKGTYEPGK[Arg671Trp]HWLKVKKDYL